The following is an entry in ClinVar:

ClinVar aggregate classification (germline): Uncertain significance (1 of 4 stars; one submission).

Conditions:
Multiple endocrine neoplasia, type 2 (MEN2). Identifiers: Orphanet 653, MedGen C4048306, MONDO:0019003. Disease mechanism: gain of function.

gnomAD v4.1: 1 of 1,613,018 alleles (0.000062%); no homozygotes.

Submission:

Labcorp Genetics (formerly Invitae), Labcorp
Classification: Uncertain significance for Multiple endocrine neoplasia, type 2. Last evaluated: 2024-02-26. Review status: criteria provided, single submitter. Criteria: Invitae Variant Classification Sherloc (09022015). Collection method: clinical testing. Allele origin: germline.
Comment: This sequence change replaces serine, which is neutral and polar, with asparagine, which is neutral and polar, at codon 832 of the RET protein (p.Ser832Asn). This variant is not present in population databases (gnomAD no frequency). This variant has not been reported in the literature in individuals affected with RET-related conditions. Algorithms developed to predict the effect of missense changes on protein structure and function output the following: SIFT: "Not Available"; PolyPhen-2: "Benign"; Align-GVGD: "Not Available". The asparagine amino acid residue is found in multiple mammalian species, which suggests that this missense change does not adversely affect protein function. In summary, the available evidence is currently insufficient to determine the role of this variant in disease. Therefore, it has been classified as a Variant of Uncertain Significance.

NM_020975.6(RET):c.2495G>A (p.Ser832Asn)

Gene: RET (ret proto-oncogene; plus strand). Cytogenetic location: 10q11.21.
Variant type: single nucleotide variant.
Coding change: c.2495G>A on transcript NM_020975.6 (MANE Select); coding-DNA position 2495, G replaced by A.
Protein change: p.Ser832Asn; replaces serine 832 with asparagine.
Molecular consequence: missense variant.
Genome position (GRCh38, 1-based): chr10:43,119,633, G>A. VCF-style: chr10-43119633-G-A. GRCh37 (hg19) VCF-style: chr10-43615081-G-A.
Other names: c.2360G>A, p.Ser787Asn (NM_001406763.1, NM_001406765.1); c.2366G>A, p.Ser789Asn (NM_001406764.1, NM_001406761.1, NM_001406762.1); c.2207G>A, p.Ser736Asn (NM_001406766.1, NM_001406767.1, NM_001406770.1); c.2231G>A, p.Ser744Asn (NM_001406768.1); c.2099G>A, p.Ser700Asn (NM_001406769.1, NM_001406772.1); c.2057G>A, p.Ser686Asn (NM_001406771.1, NM_001406773.1); c.1970G>A, p.Ser657Asn (NM_001406774.1); c.1769G>A, p.Ser590Asn (NM_001406775.1, NM_001406776.1, NM_001406777.1 and 1 more transcripts); and 10 more; short protein forms S397N, S590N, S686N, S700N, S744N, S789N, S832N, S349N.
Identifiers: ClinVar variation 3643357 (VCV003643357.2).